The following is an entry in ClinVar:

NM_012062.5(DNM1L):c.1145A>C (p.Asp382Ala)

Gene: DNM1L (dynamin 1 like; plus strand). Cytogenetic location: 12p11.21.
Variant type: single nucleotide variant.
Coding change: c.1145A>C on transcript NM_012062.5 (MANE Select); coding-DNA position 1145, A replaced by C.
Protein change: p.Asp382Ala; replaces aspartic acid 382 with alanine.
Molecular consequence: missense variant.
Genome position (GRCh38, 1-based): chr12:32,731,079, A>C. VCF-style: chr12-32731079-A-C. GRCh37 (hg19) VCF-style: chr12-32884013-A-C.
Other names: c.1145A>C, p.Asp382Ala (NM_001278463.2, NM_005690.5, NM_012063.4); c.1184A>C, p.Asp395Ala (NM_001278464.2, NM_001278465.2, NM_001330380.2); c.536A>C, p.Asp179Ala (NM_001278466.2); c.1145A>C (NM_012062.3); short protein forms D395A, D179A, D382A.
Identifiers: ClinVar variation 3651327 (VCV003651327.3).
Genomic context (GRCh38, chr12:32,731,079, plus strand): 5'-GTGGTGCTAGAATTTGTTATATTTTCCATGAGACTTTTGGGCGAACCTTAGAATCTGTTG[A>C]TCCACTTGGTGGCCTTAACACTATTGACATTTTGACTGCCATTAGAAATGCTACTGTGAG-3'
Protein context (NP_036192.2, residues 372-392): ETFGRTLESV[Asp382Ala]PLGGLNTIDI

ClinVar aggregate classification (germline): Uncertain significance. Review status: criteria provided, multiple submitters, no conflicts (2 of 4 stars). 2 submissions from 2 submitters: Uncertain significance (2). Last evaluated 2025-11-03.

Conditions:
Inborn genetic diseases. Identifiers: MedGen C0950123, MeSH D030342.

Submissions (2):

Ambry Genetics
Classification: Uncertain significance for Inborn genetic diseases. Last evaluated: 2025-11-03. Review status: criteria provided, single submitter. Criteria: Ambry Variant Classification Scheme 2023. Collection method: clinical testing. Allele origin: germline.

Labcorp Genetics (formerly Invitae), Labcorp
Classification: Uncertain significance. Last evaluated: 2024-10-07. Review status: criteria provided, single submitter. Criteria: Invitae Variant Classification Sherloc (09022015). Collection method: clinical testing. Allele origin: germline.
Comment: This sequence change replaces aspartic acid, which is acidic and polar, with alanine, which is neutral and non-polar, at codon 382 of the DNM1L protein (p.Asp382Ala). This variant is not present in population databases (gnomAD no frequency). This variant has not been reported in the literature in individuals affected with DNM1L-related conditions. An algorithm developed to predict the effect of missense changes on protein structure and function (PolyPhen-2) suggests that this variant is likely to be disruptive. In summary, the available evidence is currently insufficient to determine the role of this variant in disease. Therefore, it has been classified as a Variant of Uncertain Significance.